The following is an entry in ClinVar:

NM_001142800.2(EYS):c.4613_4616del (p.Leu1538fs)

Gene: EYS (EGF-like photoreceptor maintenance factor; minus strand). Cytogenetic location: 6q12.
Variant type: Deletion.
Coding change: c.4613_4616del on transcript NM_001142800.2 (MANE Select); coding-DNA positions 4613 to 4616, 4 bases deleted (TCAC; older notation c.4613_4616delTCAC).
Protein change: p.Leu1538fs; shifts the reading frame from leucine 1538.
Molecular consequence: frameshift variant.
Genome position (GRCh38, 1-based): chr6:64,591,251-64,591,254, GTGA deleted on the plus strand (TCAC on the coding strand, the reverse complement: EYS is on the minus strand); deleting any 4 consecutive bases within chr6:64,591,251-64,591,256 gives the same sequence; the c. name uses the placement nearest the transcript's 3' end. VCF-style (leftmost placement, unchanged base first): chr6-64591250-TGTGA-T. GRCh37 (hg19) VCF-style: chr6-65301143-TGTGA-T.
Other names: c.4613_4616del, p.Leu1538fs (NM_001292009.2); short protein forms L1538fs.
Identifiers: ClinVar variation 811908 (VCV000811908.14), dbSNP rs1582929649, ClinGen allele CA915944321.
Genomic context (GRCh38, chr6:64,591,250, plus strand): 5'-ACATGTTGCACATGTTTGGCTTAATTCTCTTAAAGAATCAGCAGCCTGTGATTTGATGTT[TGTGA>T]GTCTCTGGTTGCTTGAAGCCTCAGTAATAGCCTGATATTCACTGGGATTGAAGGCTTTTG-3'

ClinVar aggregate classification (germline): Pathogenic. Review status: criteria provided, multiple submitters, no conflicts (2 of 4 stars). 4 submissions from 4 submitters: Pathogenic (3). 1 of the submissions does not count toward it. Last evaluated 2026-01-05.

Conditions:
Retinal dystrophy. Also called: Inherited retinal dystrophy. Identifiers: Orphanet 71862, MedGen C0854723, MeSH D058499, MONDO:0019118, HP:0000556.
Retinitis pigmentosa 25 (RP25). Identifiers: Orphanet 791, MedGen C1864446, MONDO:0011272, OMIM 602772.

Submissions (4):

Myriad Genetics, Inc.
Classification: Pathogenic for Retinitis pigmentosa 25. Last evaluated: 2026-01-05. Review status: criteria provided, single submitter. Criteria: Myriad Autosomal Dominant, Autosomal Recessive and X-Linked Classification Criteria (2023). Collection method: clinical testing. Allele origin: unknown.
Comment: NM_001142800.1(EYS):c.4613_4616delTCAC(L1538Qfs*11) is a frameshift variant classified as pathogenic in the context of retinitis pigmentosa, EYS-related. L1538Qfs*11 has been observed in cases with relevant disease (PMID: 38927562, 39462066). Relevant functional assessments of this variant are not available in the literature. L1538Qfs*11 has not been observed in referenced population frequency databases. In summary, NM_001142800.1(EYS):c.4613_4616delTCAC(L1538Qfs*11) is a frameshift variant in a gene where loss of function is a known mechanism of disease, is predicted to disrupt protein function, and has been observed more frequently in cases with the relevant disease than in healthy populations. Please note: this variant was assessed in the context of healthy population screening.

Labcorp Genetics (formerly Invitae), Labcorp
Classification: Pathogenic. Last evaluated: 2022-09-18. Review status: criteria provided, single submitter. Criteria: Invitae Variant Classification Sherloc (09022015). Collection method: clinical testing. Allele origin: germline.
Comment: ClinVar contains an entry for this variant (Variation ID: 811908). This sequence change creates a premature translational stop signal (p.Leu1538Glnfs*11) in the EYS gene. It is expected to result in an absent or disrupted protein product. Loss-of-function variants in EYS are known to be pathogenic (PMID: 18836446, 20333770). This variant is not present in population databases (gnomAD no frequency). This variant has not been reported in the literature in individuals affected with EYS-related conditions. For these reasons, this variant has been classified as Pathogenic.

ARUP Laboratories, Molecular Genetics and Genomics, ARUP Laboratories
Classification: Pathogenic for Retinitis pigmentosa 25. Last evaluated: 2019-03-04. Review status: criteria provided, single submitter. Criteria: ARUP Molecular Germline Variant Investigation Process. Collection method: clinical testing. Allele origin: germline.
Comment: The EYS c.4613_4616delTCAC; p.Leu1538fs variant, to our knowledge, is not reported in the medical literature or gene-specific databases. This variant is also absent from general population databases (Exome Variant Server, Genome Aggregation Database), indicating it is not a common polymorphism. This variant causes a frameshift by deleting four nucleotides, so it is predicted to result in a truncated protein or mRNA subject to nonsense-mediated decay. Additionally, EYS loss-of-function is an established mechanism of disease and numerous truncating variants downstream of p.Leu1538fs have been reported in individuals with retinitis pigmentosa and are considered pathogenic (Arai 2015, Audo 2010). Based on available information, this variant is considered to be pathogenic. References: Arai Y et al. Retinitis Pigmentosa with EYS Mutations Is the Most Prevalent Inherited Retinal Dystrophy in Japanese Populations. J Ophthalmol. 2015;2015:819760. Audo I et al. EYS is a major gene for rod-cone dystrophies in France. Hum Mutat. 2010 May;31(5):E1406-35.

Institute of Human Genetics, Univ. Regensburg, Univ. Regensburg
Classification: Pathogenic for Retinal dystrophy. Last evaluated: 2017-01-01. Review status: no assertion criteria provided. Criteria: ACMG Guidelines, 2015. Collection method: clinical testing. Allele origin: germline. Affected: yes. Not counted in ClinVar's aggregate classification.

Literature cited by the submitters: PubMed 38927562 (cited by Myriad Genetics, Inc.); PubMed 39462066 (cited by Myriad Genetics, Inc.); PubMed 18836446 (cited by Labcorp Genetics (formerly Invitae), Labcorp); PubMed 20333770 (cited by Labcorp Genetics (formerly Invitae), Labcorp).